The following is an entry in ClinVar:

NM_004656.4(BAP1):c.1163T>C (p.Val388Ala)

Gene: BAP1 (BRCA1 associated deubiquitinase 1; minus strand). Cytogenetic location: 3p21.1.
Variant type: single nucleotide variant.
Coding change: c.1163T>C on transcript NM_004656.4 (MANE Select); coding-DNA position 1163, T replaced by C.
Protein change: p.Val388Ala; replaces valine 388 with alanine.
Molecular consequence: missense variant.
Genome position (GRCh38, 1-based): chr3:52,404,540, A>G on the plus strand (T>C on the coding strand, the complement: BAP1 is on the minus strand). VCF-style: chr3-52404540-A-G. GRCh37 (hg19) VCF-style: chr3-52438556-A-G.
Other names: c.1163T>C (NM_004656.2); short protein forms V388A.
Identifiers: ClinVar variation 1415905 (VCV001415905.10), dbSNP rs2153226871, ClinGen allele CA353103263.

ClinVar aggregate classification (germline): Uncertain significance. Review status: criteria provided, multiple submitters, no conflicts (2 of 4 stars). 3 submissions from 3 submitters: Uncertain significance (3). Last evaluated 2025-01-02.

Conditions:
Hereditary cancer-predisposing syndrome. Also called: Hereditary Cancer Syndrome; Tumor predisposition; Hereditary neoplastic syndrome; Neoplastic Syndromes, Hereditary. Identifiers: Orphanet 140162, MedGen C0027672, MeSH D009386, MONDO:0015356.
BAP1-related tumor predisposition syndrome (TPDS1). Also called: COMMON Syndrome; BAP1 tumor predisposition syndrome; Tumor susceptibility linked to germline BAP1 mutations; TUMOR PREDISPOSITION SYNDROME 1. Identifiers: Orphanet 289539, MedGen C3280492, MONDO:0013692, OMIM 614327.

gnomAD v4.1: 2 of 1,613,948 alleles (0.00012%); highest among the groups gnomAD compares: Non-Finnish European, 0.00017%; no homozygotes.

Submissions (3):

Labcorp Genetics (formerly Invitae), Labcorp
Classification: Uncertain significance for BAP1-related tumor predisposition syndrome. Last evaluated: 2025-01-02. Review status: criteria provided, single submitter. Criteria: Invitae Variant Classification Sherloc (09022015). Collection method: clinical testing. Allele origin: germline.
Comment: This sequence change replaces valine, which is neutral and non-polar, with alanine, which is neutral and non-polar, at codon 388 of the BAP1 protein (p.Val388Ala). This variant is not present in population databases (gnomAD no frequency). This variant has not been reported in the literature in individuals affected with BAP1-related conditions. ClinVar contains an entry for this variant (Variation ID: 1415905). Invitae Evidence Modeling of protein sequence and biophysical properties (such as structural, functional, and spatial information, amino acid conservation, physicochemical variation, residue mobility, and thermodynamic stability) indicates that this missense variant is not expected to disrupt BAP1 protein function with a negative predictive value of 80%. In summary, the available evidence is currently insufficient to determine the role of this variant in disease. Therefore, it has been classified as a Variant of Uncertain Significance.

Baylor Genetics
Classification: Uncertain significance for BAP1-related tumor predisposition syndrome. Last evaluated: 2024-03-26. Review status: criteria provided, single submitter. Criteria: ACMG Guidelines, 2015. Collection method: clinical testing. Allele origin: unknown.

Ambry Genetics
Classification: Uncertain significance for Hereditary cancer-predisposing syndrome. Last evaluated: 2024-01-17. Review status: criteria provided, single submitter. Criteria: Ambry Variant Classification Scheme 2023. Collection method: clinical testing. Allele origin: germline.
Comment: The p.V388A variant (also known as c.1163T>C), located in coding exon 12 of the BAP1 gene, results from a T to C substitution at nucleotide position 1163. The valine at codon 388 is replaced by alanine, an amino acid with similar properties. This amino acid position is conserved. In addition, this alteration is predicted to be tolerated by in silico analysis. Based on the available evidence, the clinical significance of this alteration remains unclear.